The following is an entry in ClinVar:

NM_152866.3(MS4A1):c.830C>T (p.Thr277Met)

Gene: MS4A1 (membrane spanning 4-domains A1; plus strand). Cytogenetic location: 11q12.2.
Variant type: single nucleotide variant.
Coding change: c.830C>T on transcript NM_152866.3 (MANE Select); coding-DNA position 830, C replaced by T.
Protein change: p.Thr277Met; replaces threonine 277 with methionine.
Molecular consequence: missense variant.
Genome position (GRCh38, 1-based): chr11:60,468,404, C>T. VCF-style: chr11-60468404-C-T. GRCh37 (hg19) VCF-style: chr11-60235877-C-T.
Other names: c.830C>T, p.Thr277Met (NM_021950.4, NM_152867.2); short protein forms T277M.
Identifiers: ClinVar variation 1964555 (VCV001964555.6), dbSNP rs200527465, ClinGen allele CA6025094.

ClinVar aggregate classification (germline): Uncertain significance. Review status: criteria provided, multiple submitters, no conflicts (2 of 4 stars). 2 submissions from 2 submitters: Uncertain significance (2). Last evaluated 2025-08-29.

Allele frequency attached by ClinVar (database versions not stated): gnomAD 0.00009; gnomAD exomes 0.00002; TOPMed 0.00005; ExAC 0.00002.
gnomAD v4.1: 47 of 1,614,036 alleles (0.0029%); highest among the groups gnomAD compares: African/African-American, 0.0053%; no homozygotes.

Submissions (2):

Labcorp Genetics (formerly Invitae), Labcorp
Classification: Uncertain significance. Last evaluated: 2025-08-29. Review status: criteria provided, single submitter. Criteria: Invitae Variant Classification Sherloc (09022015). Collection method: clinical testing. Allele origin: germline.
Comment: This sequence change replaces threonine, which is neutral and polar, with methionine, which is neutral and non-polar, at codon 277 of the MS4A1 protein (p.Thr277Met). This variant is present in population databases (rs200527465, gnomAD 0.01%). This variant has not been reported in the literature in individuals affected with MS4A1-related conditions. ClinVar contains an entry for this variant (Variation ID: 1964555). An algorithm developed to predict the effect of missense changes on protein structure and function outputs the following: PolyPhen-2: "Benign". The methionine amino acid residue is found in multiple mammalian species, which suggests that this missense change does not adversely affect protein function. In summary, the available evidence is currently insufficient to determine the role of this variant in disease. Therefore, it has been classified as a Variant of Uncertain Significance.

Ambry Genetics
Classification: Uncertain significance. Last evaluated: 2024-10-06. Review status: criteria provided, single submitter. Criteria: Ambry Variant Classification Scheme 2023. Collection method: clinical testing. Allele origin: germline.